The following is an entry in ClinVar:

NM_000368.5(TSC1):c.31C>T (p.Leu11Phe)

Gene: TSC1 (TSC complex subunit 1; minus strand). Cytogenetic location: 9q34.13.
Variant type: single nucleotide variant.
Coding change: c.31C>T on transcript NM_000368.5 (MANE Select); coding-DNA position 31, C replaced by T.
Protein change: p.Leu11Phe; replaces leucine 11 with phenylalanine.
Molecular consequence: missense variant. On other transcripts: 5 prime UTR variant (16), non-coding transcript variant (5), intron variant (2).
Genome position (GRCh38, 1-based): chr9:132,928,842, G>A on the plus strand (C>T on the coding strand, the complement: TSC1 is on the minus strand). VCF-style: chr9-132928842-G-A. GRCh37 (hg19) VCF-style: chr9-135804229-G-A.
Other names: c.31C>T, p.Leu11Phe (NM_001162426.2, NM_001162427.2, NM_001406592.1 and 21 more transcripts); c.-229C>T (NM_001362177.2, NM_001406617.1, NM_001406619.1 and 3 more transcripts); c.-321C>T (NM_001406614.1); c.-458C>T (NM_001406615.1, NM_001406623.1); c.-425C>T (NM_001406616.1, NM_001406624.1); c.-847C>T (NM_001406626.1, NM_001406627.1, NM_001406628.1); c.-989C>T (NM_001406629.1); c.-1063C>T (NM_001406630.1); and 1 more; short protein forms L11F.
Identifiers: ClinVar variation 2903834 (VCV002903834.3), dbSNP rs2539145698, ClinGen allele CA375375410.

ClinVar aggregate classification (germline): Uncertain significance (1 of 4 stars; one submission).

Conditions:
Tuberous sclerosis 1 (TSC1). Identifiers: Orphanet 805, MedGen C1854465, MONDO:0008612, OMIM 191100.

Allele frequency attached by ClinVar (database versions not stated): gnomAD exomes below 0.00001.
gnomAD v4.1: 4 of 1,614,204 alleles (0.00025%); highest among the groups gnomAD compares: Non-Finnish European, 0.00034%; no homozygotes.

Submission:

Labcorp Genetics (formerly Invitae), Labcorp
Classification: Uncertain significance for Tuberous sclerosis 1. Last evaluated: 2023-09-11. Review status: criteria provided, single submitter. Criteria: Invitae Variant Classification Sherloc (09022015). Collection method: clinical testing. Allele origin: germline.
Comment: This sequence change replaces leucine, which is neutral and non-polar, with phenylalanine, which is neutral and non-polar, at codon 11 of the TSC1 protein (p.Leu11Phe). This variant is not present in population databases (gnomAD no frequency). This variant has not been reported in the literature in individuals affected with TSC1-related conditions. Advanced modeling of protein sequence and biophysical properties (such as structural, functional, and spatial information, amino acid conservation, physicochemical variation, residue mobility, and thermodynamic stability) performed at Invitae indicates that this missense variant is not expected to disrupt TSC1 protein function. In summary, the available evidence is currently insufficient to determine the role of this variant in disease. Therefore, it has been classified as a Variant of Uncertain Significance.